The following is an entry in ClinVar:

NM_006440.5(TXNRD2):c.868G>A (p.Gly290Ser)

Gene: TXNRD2 (thioredoxin reductase 2; minus strand). Cytogenetic location: 22q11.21.
Variant type: single nucleotide variant.
Coding change: c.868G>A on transcript NM_006440.5 (MANE Select); coding-DNA position 868, G replaced by A.
Protein change: p.Gly290Ser; replaces glycine 290 with serine.
Molecular consequence: missense variant. On other transcripts: non-coding transcript variant (1).
Genome position (GRCh38, 1-based): chr22:19,895,488, C>T on the plus strand (G>A on the coding strand, the complement: TXNRD2 is on the minus strand). VCF-style: chr22-19895488-C-T. GRCh37 (hg19) VCF-style: chr22-19883011-C-T.
Other names: c.868G>A, p.Gly290Ser (NM_001282512.3); c.865G>A, p.Gly289Ser (NM_001352300.2); c.778G>A, p.Gly260Ser (NM_001352301.2); c.580G>A, p.Gly194Ser (NM_001352302.2); c.772G>A, p.Gly258Ser (NM_001352303.2); short protein forms G290S, G260S, G258S, G194S, G289S.
Identifiers: ClinVar variation 546478 (VCV000546478.9), dbSNP rs777357363, ClinGen allele CA10103954.

ClinVar aggregate classification (germline): Uncertain significance. Review status: criteria provided, multiple submitters, no conflicts (2 of 4 stars). 3 submissions from 3 submitters: Uncertain significance (3). Last evaluated 2025-08-30.

Conditions:
Primary dilated cardiomyopathy (DCM). Also called: Dilated Cardiomyopathy. Identifiers: Orphanet 217604, MedGen C0007193, MeSH D002311, MONDO:0005021, HP:0001644. Inheritance: Various modes of inheritance.
Cardiovascular phenotype. Identifiers: MedGen CN230736.

Allele frequency attached by ClinVar (database versions not stated): gnomAD exomes below 0.00001; ExAC 0.00001; TOPMed 0.00001; gnomAD 0.00002.
gnomAD v4.1: 9 of 1,613,888 alleles (0.00056%); highest among the groups gnomAD compares: Admixed American, 0.005%; no homozygotes.

Submissions (3):

Ambry Genetics
Classification: Uncertain significance for Cardiovascular phenotype. Last evaluated: 2025-08-30. Review status: criteria provided, single submitter. Criteria: Ambry Variant Classification Scheme 2023. Collection method: clinical testing. Allele origin: germline.

Labcorp Genetics (formerly Invitae), Labcorp
Classification: Uncertain significance for Primary dilated cardiomyopathy. Last evaluated: 2023-09-05. Review status: criteria provided, single submitter. Criteria: Invitae Variant Classification Sherloc (09022015). Collection method: clinical testing. Allele origin: germline.
Comment: Advanced modeling of protein sequence and biophysical properties (such as structural, functional, and spatial information, amino acid conservation, physicochemical variation, residue mobility, and thermodynamic stability) performed at Invitae indicates that this missense variant is not expected to disrupt TXNRD2 protein function. In summary, the available evidence is currently insufficient to determine the role of this variant in disease. Therefore, it has been classified as a Variant of Uncertain Significance. ClinVar contains an entry for this variant (Variation ID: 546478). This variant has not been reported in the literature in individuals affected with TXNRD2-related conditions. This variant is present in population databases (rs777357363, gnomAD 0.003%). This sequence change replaces glycine, which is neutral and non-polar, with serine, which is neutral and polar, at codon 290 of the TXNRD2 protein (p.Gly290Ser).

GeneDx
Classification: Uncertain significance. Last evaluated: 2018-05-23. Review status: criteria provided, single submitter. Criteria: GeneDx Variant Classification (06012015). Collection method: clinical testing. Allele origin: germline. Affected: yes.
Comment: A variant of uncertain significance has been identified in the TXNRD2 gene. The G290S variant has not been published as pathogenic or been reported as benign to our knowledge. This variant is not observed at a significant frequency in large population cohorts (Lek et al., 2016). The G290S variant is a non-conservative amino acid substitution, which is likely to impact secondary protein structure as these residues differ in polarity, charge, size and/or other properties. In-silico analyses, including protein predictors and evolutionary conservation, support a deleterious effect. However, based on the currently available information, it is unclear whether this variant is pathogenic or rare benign.